The following is an entry in ClinVar:

ClinVar aggregate classification (germline): Uncertain significance (1 of 4 stars; one submission).

Allele frequency attached by ClinVar (database versions not stated): gnomAD exomes 0.00001 and 0.00002; ExAC 0.00002; TOPMed 0.00003; gnomAD 0.00006.
gnomAD v4.1: 36 of 1,597,922 alleles (0.0023%); highest among the groups gnomAD compares: African/African-American, 0.0054%; no homozygotes.

Submission:

Labcorp Genetics (formerly Invitae), Labcorp
Classification: Uncertain significance. Last evaluated: 2022-08-23. Review status: criteria provided, single submitter. Criteria: Invitae Variant Classification Sherloc (09022015). Collection method: clinical testing. Allele origin: germline.
Comment: This sequence change replaces glutamic acid, which is acidic and polar, with lysine, which is basic and polar, at codon 515 of the IFNAR1 protein (p.Glu515Lys). This variant is present in population databases (rs778182995, gnomAD 0.008%). This variant has not been reported in the literature in individuals affected with IFNAR1-related conditions. ClinVar contains an entry for this variant (Variation ID: 1483885). Algorithms developed to predict the effect of missense changes on protein structure and function output the following: SIFT: "Deleterious"; PolyPhen-2: "Benign"; Align-GVGD: "Class C0". The lysine amino acid residue is found in multiple mammalian species, which suggests that this missense change does not adversely affect protein function. In summary, the available evidence is currently insufficient to determine the role of this variant in disease. Therefore, it has been classified as a Variant of Uncertain Significance.

NM_000629.3(IFNAR1):c.1543G>A (p.Glu515Lys)

Gene: IFNAR1 (interferon alpha and beta receptor subunit 1; plus strand). Cytogenetic location: 21q22.11.
Variant type: single nucleotide variant.
Coding change: c.1543G>A on transcript NM_000629.3 (MANE Select); coding-DNA position 1543, G replaced by A.
Protein change: p.Glu515Lys; replaces glutamic acid 515 with lysine.
Molecular consequence: missense variant. On other transcripts: 3 prime UTR variant (1).
Genome position (GRCh38, 1-based): chr21:33,355,418, G>A. VCF-style: chr21-33355418-G-A. GRCh37 (hg19) VCF-style: chr21-34727724-G-A.
Other names: c.1543G>A, p.Glu515Lys (NM_001384498.1); c.*92G>A (NM_001384499.1); c.781G>A, p.Glu261Lys (NM_001384500.1); c.1513G>A, p.Glu505Lys (NM_001384501.1); c.1081G>A, p.Glu361Lys (NM_001384502.1); c.1528G>A, p.Glu510Lys (NM_001384503.1); c.1336G>A, p.Glu446Lys (NM_001384504.1); short protein forms E261K, E361K, E446K, E515K, E510K, E505K.
Identifiers: ClinVar variation 1483885 (VCV001483885.3), dbSNP rs778182995, ClinGen allele CA10006793.
Genomic context (GRCh38, chr21:33,355,418, plus strand): 5'-TCTGAGGAACAAATCGAAAAATGTTTCATAATTGAAAATATAAGCACAATTGCTACAGTA[G>A]AAGAAACTAATCAAACTGATGAAGATCATAAAAAATACAGTTCCCAAACTAGCCAAGATT-3'
Protein context (NP_000620.2, residues 505-525): IENISTIATV[Glu515Lys]ETNQTDEDHK